The following is an entry in ClinVar:

NM_001174089.2(SLC4A11):c.590C>T (p.Ser197Leu)

Gene: SLC4A11 (solute carrier family 4 member 11; minus strand). Cytogenetic location: 20p13.
Variant type: single nucleotide variant.
Coding change: c.590C>T on transcript NM_001174089.2 (MANE Select); coding-DNA position 590, C replaced by T.
Protein change: p.Ser197Leu; replaces serine 197 with leucine.
Molecular consequence: missense variant. On other transcripts: non-coding transcript variant (3).
Genome position (GRCh38, 1-based): chr20:3,233,936, G>A on the plus strand (C>T on the coding strand, the complement: SLC4A11 is on the minus strand). VCF-style: chr20-3233936-G-A. GRCh37 (hg19) VCF-style: chr20-3214582-G-A.
Other names: c.719C>T, p.Ser240Leu (NM_001174090.2, NM_001400280.1); c.590C>T, p.Ser197Leu (NM_001363745.2); c.533C>T, p.Ser178Leu (NM_001400277.1, NM_001400278.1, NM_001400279.1); c.638C>T, p.Ser213Leu (NM_032034.4); short protein forms S178L, S197L, S213L, S240L.
Identifiers: ClinVar variation 2573626 (VCV002573626.4), dbSNP rs759667344, ClinGen allele CA9742224.

ClinVar aggregate classification (germline): Pathogenic/Likely pathogenic. Review status: criteria provided, multiple submitters, no conflicts (2 of 4 stars). 3 submissions from 3 submitters: Pathogenic (1); Likely pathogenic (2). Last evaluated 2025-09-02.

Conditions:
Corneal dystrophy-perceptive deafness syndrome (CDPD). Also called: CORNEAL DYSTROPHY AND SENSORINEURAL DEAFNESS; HARBOYAN SYNDROME. Identifiers: Orphanet 1490, MedGen C1857572, MONDO:0009015, OMIM 217400.

Allele frequency attached by ClinVar (database versions not stated): ExAC 0.00001; gnomAD exomes 0.00001; TOPMed below 0.00001.
gnomAD v4.1: 8 of 1,613,352 alleles (0.0005%); highest among the groups gnomAD compares: Non-Finnish European, 0.00068%; no homozygotes.

Submissions (3):

Labcorp Genetics (formerly Invitae), Labcorp
Classification: Likely pathogenic. Last evaluated: 2025-09-02. Review status: criteria provided, single submitter. Criteria: Invitae Variant Classification Sherloc (09022015). Collection method: clinical testing. Allele origin: germline.
Comment: This sequence change replaces serine, which is neutral and polar, with leucine, which is neutral and non-polar, at codon 213 of the SLC4A11 protein (p.Ser213Leu). This variant is present in population databases (rs759667344, gnomAD 0.002%). This missense change has been observed in individual(s) with corneal endothelial dystrophy (PMID: 17679935). ClinVar contains an entry for this variant (Variation ID: 2573626). Invitae Evidence Modeling of protein sequence and biophysical properties (such as structural, functional, and spatial information, amino acid conservation, physicochemical variation, residue mobility, and thermodynamic stability) has been performed for this missense variant. However, the output from this modeling did not meet the statistical confidence thresholds required to predict the impact of this variant on SLC4A11 protein function. Experimental studies have shown that this missense change affects SLC4A11 function (PMID: 24916015, 25811729, 29327391). This variant disrupts the p.Ser213 amino acid residue in SLC4A11. Other variant(s) that disrupt this residue have been observed in individuals with SLC4A11-related conditions (PMID: 17220209, 17679935), which suggests that this may be a clinically significant amino acid residue. In summary, the currently available evidence indicates that the variant is pathogenic, but additional data are needed to prove that conclusively. Therefore, this variant has been classified as Likely Pathogenic.

Natera, Inc.
Classification: Likely pathogenic for Corneal dystrophy-perceptive deafness syndrome. Last evaluated: 2025-07-07. Review status: criteria provided, single submitter. Criteria: Natera Variant Classification Schema (03/2026). Collection method: clinical testing. Allele origin: germline.
Comment: The c.638C>T variant in SLC4A11 is a missense variant predicted to cause substitution of serine to leucine at amino acid 213. This variant is rare in the general population with a frequency below the threshold expected for the associated phenotype(s). This variant has been observed in one or more individuals affected with the associated recessive disease, as either homozygous or compound heterozygous with a second variant (PMID: 17679935, 31420327). Functional studies show that this variant may disrupt protein function (PMID: 24916015). Computational prediction algorithms indicate this variant is likely to affect gene or protein function. Given the available evidence, this variant is classified as Likely Pathogenic.

Women's Health and Genetics/Laboratory Corporation of America, LabCorp
Classification: Pathogenic for Corneal dystrophy-perceptive deafness syndrome. Last evaluated: 2023-06-07. Review status: criteria provided, single submitter. Criteria: LabCorp Variant Classification Summary - May 2015. Collection method: clinical testing. Allele origin: germline.
Comment: Variant summary: SLC4A11 c.638C>T (p.Ser213Leu) results in a non-conservative amino acid change in the encoded protein sequence. Five of five in-silico tools predict a damaging effect of the variant on protein function. The variant allele was found at a frequency of 8e-06 in 251168 control chromosomes (gnomAD). c.638C>T has been reported in the literature in homozygous individuals affected with Corneal Dystrophy (e.g. Sultana_2007, Moazzeni_2020). These data indicate that the variant is likely to be associated with disease. Several publications report experimental evidence evaluating an impact on protein function: when transfected into HEK293 cells, the variant protein was absent in the mature form (Alka_2018) and did not localize to the plasma membrane (Loganathan_2014, Alka_2018). This resulted in cells having impaired water flux (Loganathan_2014). Cells expressing the variant protein were also more sensitive to oxidative stress and had higher rates of apoptosis when exposed to oxidative stressors (Roy_2015). The following publications have been ascertained in the context of this evaluation (PMID: 29327391, 24916015, 31420327, 25811729, 17679935). No clinical diagnostic laboratories have submitted clinical-significance assessments for this variant to ClinVar after 2014. Based on the evidence outlined above, the variant was classified as pathogenic.

Literature cited by the submitters: PubMed 17679935 (cited by 3 submitters); PubMed 24916015 (cited by 3 submitters); PubMed 25811729 (cited by Labcorp Genetics (formerly Invitae), Labcorp and Women's Health and Genetics/Laboratory Corporation of America, LabCorp); PubMed 29327391 (cited by Labcorp Genetics (formerly Invitae), Labcorp and Women's Health and Genetics/Laboratory Corporation of America, LabCorp); PubMed 17220209 (cited by Labcorp Genetics (formerly Invitae), Labcorp); PubMed 31420327 (cited by Natera, Inc. and Women's Health and Genetics/Laboratory Corporation of America, LabCorp).